The following is an entry in ClinVar:

NM_182961.4(SYNE1):c.24129+2T>C

Gene: SYNE1 (spectrin repeat containing nuclear envelope protein 1; minus strand). Cytogenetic location: 6q25.2.
Variant type: single nucleotide variant.
Coding change: c.24129+2T>C on transcript NM_182961.4 (MANE Select); the canonical splice donor site of the intron after coding-DNA position 24129, T replaced by C.
Molecular consequence: splice donor variant.
Genome position (GRCh38, 1-based): chr6:152,154,890, A>G on the plus strand (T>C on the coding strand, the complement: SYNE1 is on the minus strand). VCF-style: chr6-152154890-A-G. GRCh37 (hg19) VCF-style: chr6-152476025-A-G.
Other names: c.23916+2T>C (NM_033071.5); c.735+2T>C (NM_001347701.2); c.594+2T>C (NM_001347702.2).
Identifiers: ClinVar variation 1325163 (VCV001325163.10), dbSNP rs544985182, ClinGen allele CA4053266.

ClinVar aggregate classification (germline): Pathogenic/Likely pathogenic. Review status: criteria provided, multiple submitters, no conflicts (2 of 4 stars). 4 submissions from 4 submitters: Pathogenic (1); Likely pathogenic (2). 1 of the submissions does not count toward it. Last evaluated 2026-07-01.

Conditions:
Autosomal recessive ataxia, Beauce type. Also called: Spinocerebellar ataxia, autosomal recessive 8; SYNE1-Related Autosomal Recessive Cerebellar Ataxia; SYNE1 Deficiency; ATAXIA, RECESSIVE, OF BEAUCE. Identifiers: Orphanet 88644, MedGen C1853116, MONDO:0012549, OMIM 610743.
Emery-Dreifuss muscular dystrophy 4, autosomal dominant (EDMD4). Also called: EMERY-DREIFUSS MUSCULAR DYSTROPHY 4 WITH VARIABLE FEATURES. Identifiers: Orphanet 261, MedGen C2751807, MONDO:0013071, OMIM 612998.
SYNE1-related disorder. Also called: SYNE1-related disease; SYNE1-related condition; SYNE1-related disorders.

Allele frequency attached by ClinVar (database versions not stated): gnomAD exomes 0.00001 and 0.00003; ExAC 0.00002; TOPMed 0.00002; gnomAD 0.00003; 1000 Genomes Project 30x 0.00016; 1000 Genomes Project 0.00020.
gnomAD v4.1: 14 of 1,614,086 alleles (0.00087%); highest among the groups gnomAD compares: East Asian, 0.031%; no homozygotes.

Submissions (4):

CeGaT Center for Human Genetics Tuebingen
Classification: Pathogenic. Last evaluated: 2026-07-01. Review status: criteria provided, single submitter. Criteria: CeGaT Center For Human Genetics Tuebingen Variant Classification Criteria Version 2. Collection method: clinical testing. Allele origin: germline. Affected: yes. Observed: 1 variant allele.
Comment: SYNE1: PVS1, PM2

Labcorp Genetics (formerly Invitae), Labcorp
Classification: Likely pathogenic for Emery-Dreifuss muscular dystrophy 4, autosomal dominant; Autosomal recessive ataxia, Beauce type. Last evaluated: 2025-04-18. Review status: criteria provided, single submitter. Criteria: Invitae Variant Classification Sherloc (09022015). Collection method: clinical testing. Allele origin: germline.
Comment: This sequence change affects a donor splice site in intron 132 of the SYNE1 gene. It is expected to disrupt RNA splicing. Variants that disrupt the donor or acceptor splice site typically lead to a loss of protein function (PMID: 16199547), and loss-of-function variants in SYNE1 are known to be pathogenic (PMID: 19542096, 24319099, 27086870). This variant is present in population databases (rs544985182, gnomAD 0.04%). This variant has not been reported in the literature in individuals affected with SYNE1-related conditions. ClinVar contains an entry for this variant (Variation ID: 1325163). Algorithms developed to predict the effect of sequence changes on RNA splicing suggest that this variant may disrupt the consensus splice site. In summary, the currently available evidence indicates that the variant is pathogenic, but additional data are needed to prove that conclusively. Therefore, this variant has been classified as Likely Pathogenic.

Revvity Omics, Revvity
Classification: Likely pathogenic. Last evaluated: 2021-02-01. Review status: criteria provided, single submitter. Criteria: ACMG Guidelines, 2015. Collection method: clinical testing. Allele origin: germline.

PreventionGenetics, part of Exact Sciences
Classification: Likely pathogenic for SYNE1-related condition. Last evaluated: 2024-01-18. Review status: no assertion criteria provided. Collection method: clinical testing. Allele origin: germline. Not counted in ClinVar's aggregate classification.
Comment: The SYNE1 c.23916+2T>C variant is predicted to disrupt the GT donor site and interfere with normal splicing. This variant has not been reported in the literature. This variant is reported in 0.040% of alleles in individuals of East Asian descent in gnomAD. Variants that disrupt the consensus splice donor site in SYNE1 are expected to be pathogenic. This variant is interpreted as likely pathogenic.

Literature cited by the submitters: PubMed 16199547 (cited by Labcorp Genetics (formerly Invitae), Labcorp); PubMed 19542096 (cited by Labcorp Genetics (formerly Invitae), Labcorp); PubMed 24319099 (cited by Labcorp Genetics (formerly Invitae), Labcorp); PubMed 27086870 (cited by Labcorp Genetics (formerly Invitae), Labcorp).